The following is an entry in ClinVar:

NM_000180.4(GUCY2D):c.2171C>T (p.Thr724Met)

Gene: GUCY2D (guanylate cyclase 2D, retinal; plus strand). Cytogenetic location: 17p13.1.
Variant type: single nucleotide variant.
Coding change: c.2171C>T on transcript NM_000180.4 (MANE Select); coding-DNA position 2171, C replaced by T.
Protein change: p.Thr724Met; replaces threonine 724 with methionine.
Molecular consequence: missense variant.
Genome position (GRCh38, 1-based): chr17:8,013,160, C>T. VCF-style: chr17-8013160-C-T. GRCh37 (hg19) VCF-style: chr17-7916478-C-T.
Other names: short protein forms T724M.
Identifiers: ClinVar variation 852854 (VCV000852854.11), dbSNP rs561318435, ClinGen allele CA8366032.
Genomic context (GRCh38, chr17:8,013,160, plus strand): 5'-CAGACCAGCTGTGGACAGCCCCGGAGCTGCTTAGGGACCCAGCCCTGGAGCGCCGGGGAA[C>T]GCTGGCCGGCGACGTCTTTAGCTTGGCCATCATCATGCAAGAAGTAGTGTGCCGCAGTGC-3'
Protein context (NP_000171.1, residues 714-734): LRDPALERRG[Thr724Met]LAGDVFSLAI

ClinVar aggregate classification (germline): Uncertain significance. Review status: criteria provided, multiple submitters, no conflicts (2 of 4 stars). 5 submissions from 5 submitters: Uncertain significance (5). Last evaluated 2026-03-23.

Conditions:
GUCY2D-related disorder. Also called: GUCY2D-related condition.
Inborn genetic diseases. Identifiers: MedGen C0950123, MeSH D030342.
Leber congenital amaurosis 1 (LCA1). Also called: AMAUROSIS CONGENITA OF LEBER I; Congenital absence of the rods and cones; Leber's congenital tapetoretinal degeneration; Leber's congenital tapetoretinal dysplasia; RETINAL BLINDNESS, CONGENITAL. Identifiers: Orphanet 65, MedGen C2931258, MONDO:0008764, OMIM 204000.
Cone-rod dystrophy 6 (CORD6). Also called: Cone dystrophy progressive; RETINAL CONE DYSTROPHY 2. Identifiers: Orphanet 1872, MedGen C1866293, MONDO:0011143, OMIM 601777.

Allele frequency attached by ClinVar (database versions not stated): gnomAD 0.00004 and 0.00005; TOPMed 0.00010; 1000 Genomes Project 0.00020; 1000 Genomes Project 30x 0.00031.

Submissions (5):

PreventionGenetics, part of Exact Sciences
Classification: Uncertain significance for GUCY2D-related condition. Last evaluated: 2026-03-23. Review status: criteria provided, single submitter. Criteria: ACMG Guidelines, 2015. Collection method: clinical testing. Allele origin: germline.
Comment: The GUCY2D c.2171C>T variant is predicted to result in the amino acid substitution p.Thr724Met. To our knowledge, this variant has not been reported in the literature. This variant is reported in 0.0028% of alleles in individuals of Latino descent in gnomAD. At this time, the clinical significance of this variant is uncertain due to the absence of conclusive functional and genetic evidence.

Ambry Genetics
Classification: Uncertain significance for Inborn genetic diseases. Last evaluated: 2023-12-08. Review status: criteria provided, single submitter. Criteria: Ambry Variant Classification Scheme 2023. Collection method: clinical testing. Allele origin: germline.

Labcorp Genetics (formerly Invitae), Labcorp
Classification: Uncertain significance for Leber congenital amaurosis 1; Cone-rod dystrophy 6. Last evaluated: 2022-08-03. Review status: criteria provided, single submitter. Criteria: Invitae Variant Classification Sherloc (09022015). Collection method: clinical testing. Allele origin: germline.
Comment: This sequence change replaces threonine, which is neutral and polar, with methionine, which is neutral and non-polar, at codon 724 of the GUCY2D protein (p.Thr724Met). This variant is present in population databases (rs561318435, gnomAD 0.002%). This variant has not been reported in the literature in individuals affected with GUCY2D-related conditions. ClinVar contains an entry for this variant (Variation ID: 852854). Algorithms developed to predict the effect of missense changes on protein structure and function (SIFT, PolyPhen-2, Align-GVGD) all suggest that this variant is likely to be disruptive. In summary, the available evidence is currently insufficient to determine the role of this variant in disease. Therefore, it has been classified as a Variant of Uncertain Significance.

Blueprint Genetics
Classification: Uncertain significance. Last evaluated: 2022-01-31. Review status: criteria provided, single submitter. Criteria: ACMG Guidelines, 2015. Collection method: clinical testing. Allele origin: germline.

GeneDx
Classification: Uncertain significance. Last evaluated: 2019-02-04. Review status: criteria provided, single submitter. Criteria: GeneDx Variant Classification Process June 2021. Collection method: clinical testing. Allele origin: germline. Affected: yes.
Comment: In silico analysis, which includes protein predictors and evolutionary conservation, supports a deleterious effect; Has not been previously published as pathogenic or benign to our knowledge